The following is an entry in ClinVar:

NM_001128178.3(NPHP1):c.1436G>A (p.Gly479Asp)

Gene: NPHP1 (nephrocystin 1; minus strand). Cytogenetic location: 2q13.
Variant type: single nucleotide variant.
Coding change: c.1436G>A on transcript NM_001128178.3 (MANE Select); coding-DNA position 1436, G replaced by A.
Protein change: p.Gly479Asp; replaces glycine 479 with aspartic acid.
Molecular consequence: missense variant.
Genome position (GRCh38, 1-based): chr2:110,143,635, C>T on the plus strand (G>A on the coding strand, the complement: NPHP1 is on the minus strand). VCF-style: chr2-110143635-C-T. GRCh37 (hg19) VCF-style: chr2-110901212-C-T.
Other names: c.1604G>A, p.Gly535Asp (NM_000272.5); c.1247G>A, p.Gly416Asp (NM_001128179.3); c.1433G>A, p.Gly478Asp (NM_001374256.1); c.1436G>A, p.Gly479Asp (NM_001374257.1); c.1601G>A, p.Gly534Asp (NM_207181.4); c.1604G>A (NM_000272.3); short protein forms G534D, G535D, G478D, G479D, G416D.
Identifiers: ClinVar variation 1405049 (VCV001405049.6), dbSNP rs960255611, ClinGen allele CA53534037.

ClinVar aggregate classification (germline): Uncertain significance. Review status: criteria provided, multiple submitters, no conflicts (2 of 4 stars). 3 submissions from 3 submitters: Uncertain significance (3). Last evaluated 2026-09-03.

Conditions:
NPHP1-related disorder. Also called: NPHP1-related disorders; NPHP1-related condition.
Inborn genetic diseases. Identifiers: MedGen C0950123, MeSH D030342.
Nephronophthisis. Also called: Juvenile Nephronophthisis. Identifiers: Orphanet 655, MedGen C0687120, MONDO:0019005, HP:0000090.

Allele frequency attached by ClinVar (database versions not stated): gnomAD 0.00001; TOPMed 0.00001.
gnomAD v4.1: 3 of 1,610,948 alleles (0.00019%); highest among the groups gnomAD compares: Non-Finnish European, 0.00025%; no homozygotes.

Submissions (3):

PreventionGenetics, part of Exact Sciences
Classification: Uncertain significance for NPHP1-related condition. Last evaluated: 2026-09-03. Review status: criteria provided, single submitter. Criteria: ACMG Guidelines, 2015. Collection method: clinical testing. Allele origin: germline.
Comment: The NPHP1 c.1604G>A variant is predicted to result in the amino acid substitution p.Gly535Asp. To our knowledge, this variant has not been reported in the literature or in a large population database (gnomAD), indicating this variant is rare. At this time, the clinical significance of this variant is uncertain due to the absence of conclusive functional and genetic evidence.

Ambry Genetics
Classification: Uncertain significance for Inborn genetic diseases. Last evaluated: 2024-10-23. Review status: criteria provided, single submitter. Criteria: Ambry Variant Classification Scheme 2023. Collection method: clinical testing. Allele origin: germline.

Labcorp Genetics (formerly Invitae), Labcorp
Classification: Uncertain significance for Nephronophthisis. Last evaluated: 2022-02-24. Review status: criteria provided, single submitter. Criteria: Invitae Variant Classification Sherloc (09022015). Collection method: clinical testing. Allele origin: germline.
Comment: This sequence change replaces glycine, which is neutral and non-polar, with aspartic acid, which is acidic and polar, at codon 535 of the NPHP1 protein (p.Gly535Asp). This variant is not present in population databases (gnomAD no frequency). This variant has not been reported in the literature in individuals affected with NPHP1-related conditions. Algorithms developed to predict the effect of missense changes on protein structure and function are either unavailable or do not agree on the potential impact of this missense change (SIFT: "Tolerated"; PolyPhen-2: "Possibly Damaging"; Align-GVGD: "Class C0"). In summary, the available evidence is currently insufficient to determine the role of this variant in disease. Therefore, it has been classified as a Variant of Uncertain Significance.